The following is an entry in ClinVar:

ClinVar aggregate classification (germline): Uncertain significance (1 of 4 stars; one submission).

Conditions:
Methylcobalamin deficiency type cblE (HMAE). Also called: HOMOCYSTINURIA-MEGALOBLASTIC ANEMIA, cblE TYPE; VITAMIN B12-RESPONSIVE HOMOCYSTINURIA, cblE TYPE; HOMOCYSTINURIA-MEGALOBLASTIC ANEMIA, cblE COMPLEMENTATION TYPE. Identifiers: Orphanet 2169, Orphanet 622, MedGen C1856057, MONDO:0009354, OMIM 236270.

gnomAD v4.1: 1 of 1,614,244 alleles (0.000062%); highest among the groups gnomAD compares: Non-Finnish European, 0.000085%; no homozygotes.

Submission:

Labcorp Genetics (formerly Invitae), Labcorp
Classification: Uncertain significance for Methylcobalamin deficiency type cblE. Last evaluated: 2024-10-15. Review status: criteria provided, single submitter. Criteria: Invitae Variant Classification Sherloc (09022015). Collection method: clinical testing. Allele origin: germline.
Comment: This sequence change replaces serine, which is neutral and polar, with arginine, which is basic and polar, at codon 512 of the MTRR protein (p.Ser512Arg). This variant is not present in population databases (gnomAD no frequency). This variant has not been reported in the literature in individuals affected with MTRR-related conditions. ClinVar contains an entry for this variant (Variation ID: 2107897). An algorithm developed to predict the effect of missense changes on protein structure and function outputs the following: PolyPhen-2: "Benign". The arginine amino acid residue is found in multiple mammalian species, which suggests that this missense change does not adversely affect protein function. In summary, the available evidence is currently insufficient to determine the role of this variant in disease. Therefore, it has been classified as a Variant of Uncertain Significance.

NM_002454.3(MTRR):c.1534A>C (p.Ser512Arg)

Gene: MTRR (5-methyltetrahydrofolate-homocysteine methyltransferase reductase; plus strand). Cytogenetic location: 5p15.31.
Variant type: single nucleotide variant.
Coding change: c.1534A>C on transcript NM_002454.3 (MANE Select); coding-DNA position 1534, A replaced by C.
Protein change: p.Ser512Arg; replaces serine 512 with arginine.
Molecular consequence: missense variant. On other transcripts: non-coding transcript variant (14).
Genome position (GRCh38, 1-based): chr5:7,892,890, A>C. VCF-style: chr5-7892890-A-C. GRCh37 (hg19) VCF-style: chr5-7893003-A-C.
Other names: c.1534A>C, p.Ser512Arg (NM_001364440.2, NM_001364441.2, NM_001364442.2 and 1 more transcripts); short protein forms S512R.
Identifiers: ClinVar variation 2107897 (VCV002107897.4), dbSNP rs1737859863, ClinGen allele CA359159120.
Genomic context (GRCh38, chr5:7,892,890, plus strand): 5'-TGGCTGGCCTTGTTGGTTGCTTCAGTTCTTCAGCCAAACATACATGCATCCCATGAAGAC[A>C]GCGGGAAAGCCCTGGCTCCTAAGGTAAGAAATTAGTACCTTAACCTCAGCATTGTTAACT-3'
Protein context (NP_002445.2, residues 502-522): QPNIHASHED[Ser512Arg]GKALAPKISI